The following is an entry in ClinVar:

NM_000525.4(KCNJ11):c.175G>A (p.Val59Met)

Gene: KCNJ11 (potassium inwardly rectifying channel subfamily J member 11; minus strand). Cytogenetic location: 11p15.1.
Variant type: single nucleotide variant.
Coding change: c.175G>A on transcript NM_000525.4 (MANE Select); coding-DNA position 175, G replaced by A.
Protein change: p.Val59Met; replaces valine 59 with methionine.
Molecular consequence: missense variant. On other transcripts: intron variant (3).
Genome position (GRCh38, 1-based): chr11:17,387,917, C>T on the plus strand (G>A on the coding strand, the complement: KCNJ11 is on the minus strand). VCF-style: chr11-17387917-C-T. GRCh37 (hg19) VCF-style: chr11-17409464-C-T.
Other names: c.-16-71G>A (NM_001166290.2, NM_001377297.1, NM_001377296.1); short protein forms V59M.
Identifiers: ClinVar variation 8667 (VCV000008667.28), dbSNP rs80356616, ClinGen allele CA119823.

ClinVar aggregate classification (germline): Pathogenic. Review status: criteria provided, multiple submitters, no conflicts (2 of 4 stars). 9 submissions from 9 submitters: Pathogenic (6). 3 of the submissions do not count toward it. Last evaluated 2025-09-16.

Conditions:
Diabetes mellitus, permanent neonatal 2. Also called: KCNJ11-Related Permanent Neonatal Diabetes Mellitus. Identifiers: MedGen C5394296, MONDO:0030087, OMIM 618856.
Transitory neonatal diabetes mellitus. Also called: Transient neonatal diabetes mellitus. Identifiers: MedGen C0342273, MONDO:0020525, HP:0008255.
Neonatal diabetes mellitus (NDM). Identifiers: Orphanet 224, MedGen C0158981, MONDO:0016391.
Permanent neonatal diabetes mellitus (PNDM). Identifiers: Orphanet 99885, MedGen C1833104, MONDO:0100164, MONDO:0011643. Disease mechanism: gain of function.
Neonatal insulin-dependent diabetes mellitus. Identifiers: MedGen C3278636, HP:0000857.

Allele frequency attached by ClinVar (database versions not stated): gnomAD exomes below 0.00001.
gnomAD v4.1: 1 of 1,609,574 alleles (0.000062%); highest among the groups gnomAD compares: Admixed American, 0.0017%; no homozygotes.

Submissions (9):

3billion
Classification: Pathogenic for Diabetes mellitus, permanent neonatal 2. Last evaluated: 2025-09-16. Review status: criteria provided, single submitter. Criteria: ACMG Guidelines, 2015. Collection method: clinical testing. Allele origin: germline. Affected: yes.
Comment: The variant is observed at an extremely low frequency in the gnomAD v4.1.0 dataset (total allele frequency: <0.001%). Predicted Consequence/Location: Missense variant Functional studies provide moderate evidence of the variant having a damaging effect on the gene or gene product (PMID: 19065048). In silico tool predictions suggest damaging effect of the variant on gene or gene product [REVEL: 0.77 (>=0.6, sensitivity 0.68 and specificity 0.92)]. The same nucleotide change resulting in the same amino acid change has been previously reported as pathogenic/likely pathogenic with strong evidence (ClinVar ID: VCV000008667 /PMID: 15115830 /3billion dataset). Different missense changes at the same codon (p.Val59Ala, p.Val59Gly) have been reported to be associated with KCNJ11-related disorder (ClinVar ID: VCV000008669 /PMID: 15115830, 19139106 /3billion dataset). Therefore, this variant is classified as Pathogenic according to the recommendation of ACMG/AMP guideline.

GeneDx
Classification: Pathogenic. Last evaluated: 2023-09-24. Review status: criteria provided, single submitter. Criteria: GeneDx Variant Classification Process June 2021. Collection method: clinical testing. Allele origin: germline. Affected: yes.
Comment: Published functional studies demonstrate a damaging effect (Girard et al., 2009; Clark et al., 2010); Not observed in large population cohorts (gnomAD); This variant is associated with the following publications: (PMID: 22145471, 16123353, 23462667, 24855163, 16731837, 22252471, 19065048, 24582665, 23626843, 21682153, 20595581, 15115830, 17728498, 18307455, 17047922, 19774848, 19686306, 16670688, 26839896, 27681997, 29329106, 32792356, 32418263, 32820876, 32893419, 16087682, 36398453)

Labcorp Genetics (formerly Invitae), Labcorp
Classification: Pathogenic. Last evaluated: 2021-06-28. Review status: criteria provided, single submitter. Criteria: Invitae Variant Classification Sherloc (09022015). Collection method: clinical testing. Allele origin: germline.
Comment: This variant is not present in population databases (ExAC no frequency). This sequence change replaces valine with methionine at codon 59 of the KCNJ11 protein (p.Val59Met). The valine residue is highly conserved and there is a small physicochemical difference between valine and methionine. This variant has been observed in individual(s) with neonatal diabetes mellitus (PMID: 26839896, 27681997, 32792356). In at least one individual the variant was observed to be de novo. For these reasons, this variant has been classified as Pathogenic. Experimental studies have shown that this variant affects KCNJ11 protein function (PMID: 19065048). Algorithms developed to predict the effect of missense changes on protein structure and function are either unavailable or do not agree on the potential impact of this missense change (SIFT: "Deleterious"; PolyPhen-2: "Probably Damaging"; Align-GVGD: "Class C0"). ClinVar contains an entry for this variant (Variation ID: 8667).

Eurofins Ntd Llc (ga)
Classification: Pathogenic. Last evaluated: 2015-04-30. Review status: criteria provided, single submitter. Criteria: EGL Classification Definitions 2015. Collection method: clinical testing. Allele origin: germline. Observed: 1 variant allele, 1 heterozygote.

Genetic Services Laboratory, University of Chicago
Classification: Pathogenic for neonatal insulin-dependent diabetes mellitus. Last evaluated: 2013-02-08. Review status: criteria provided, single submitter. Criteria: ACMG Guidelines, 2007. Collection method: clinical testing. Allele origin: germline. Inheritance: Autosomal unknown. Affected: yes.

Molecular Genetics, Madras Diabetes Research Foundation
Classification: Pathogenic for Neonatal diabetes mellitus. Review status: criteria provided, single submitter. Criteria: ACMG Guidelines, 2015. Collection method: clinical testing. Allele origin: germline. Affected: yes.

OMIM
Classification: Pathogenic for DIABETES MELLITUS, PERMANENT NEONATAL, 2, WITH NEUROLOGIC FEATURES. Last evaluated: 2006-07-01. Review status: no assertion criteria provided. Collection method: literature only. Allele origin: germline. Not counted in ClinVar's aggregate classification.

GeneReviews
No classification provided. Condition: Permanent neonatal diabetes mellitus. Review status: no classification provided. Collection method: literature only. Allele origin: unknown. Not counted in ClinVar's aggregate classification.

Clinical Genomics, Uppaluri K&H Personalized Medicine Clinic
Classification: Benign for Transitory neonatal diabetes mellitus. Review status: flagged submission. Criteria: K & H Uppaluri Personalized Medicine Clinic Variant Classification & Assertion Criteria_Updated V.1. Collection method: research. Allele origin: somatic. Inheritance: Autosomal dominant inheritance. Affected: yes. Not counted in ClinVar's aggregate classification.
Comment: Mutations in KCNJ11 gene can cause decreased production and secretion of insulin. This can lead to MODY which may be responsive to oral sulfonylureas. However, this particular variant (rs80356616) is associated with DEND syndrome.
ClinVar note: Reason: Outlier claim with insufficient supporting evidence

Literature cited by the submitters: PubMed 15115830 (cited by 4 submitters); PubMed 19065048 (cited by 3 submitters); PubMed 26839896 (cited by Labcorp Genetics (formerly Invitae), Labcorp); PubMed 27681997 (cited by Labcorp Genetics (formerly Invitae), Labcorp); PubMed 32792356 (cited by Labcorp Genetics (formerly Invitae), Labcorp); PubMed 15448107 (cited by Eurofins Ntd Llc (ga)); PubMed 32893419 (cited by Molecular Genetics, Madras Diabetes Research Foundation); PubMed 15583126 (cited by OMIM and GeneReviews); PubMed 15580558 (cited by OMIM and GeneReviews); PubMed 16670688 (cited by OMIM and GeneReviews); PubMed 16123337 (cited by GeneReviews); PubMed 20301620 (cited by GeneReviews); NCBI Bookshelf NBK1447 (cited by GeneReviews); PubMed 33816067 (cited by Clinical Genomics, Uppaluri K&H Personalized Medicine Clinic).